The following is an entry in ClinVar:

NM_001849.4(COL6A2):c.391G>A (p.Gly131Ser)

Gene: COL6A2 (collagen type VI alpha 2 chain; plus strand). Cytogenetic location: 21q22.3.
Variant type: single nucleotide variant.
Coding change: c.391G>A on transcript NM_001849.4 (MANE Select); coding-DNA position 391, G replaced by A.
Protein change: p.Gly131Ser; replaces glycine 131 with serine.
Molecular consequence: missense variant.
Genome position (GRCh38, 1-based): chr21:46,112,254, G>A. VCF-style: chr21-46112254-G-A. GRCh37 (hg19) VCF-style: chr21-47532168-G-A.
Other names: c.391G>A, p.Gly131Ser (NM_058174.3, NM_058175.3); c.391G>A (NM_001849.3); short protein forms G131S.
Identifiers: ClinVar variation 288870 (VCV000288870.10), dbSNP rs561771249, ClinGen allele CA10071282.

ClinVar aggregate classification (germline): Uncertain significance. Review status: criteria provided, multiple submitters, no conflicts (2 of 4 stars). 4 submissions from 4 submitters: Uncertain significance (4). Last evaluated 2025-12-11.

Conditions:
Inborn genetic diseases. Identifiers: MedGen C0950123, MeSH D030342.
Bethlem myopathy 1A. Also called: Bethlem Muscular Dystrophy; MYOPATHY, BENIGN CONGENITAL, WITH CONTRACTURES; Bethlem myopathy 1. Identifiers: Orphanet 610, MedGen CN029274, MONDO:0024530, OMIM 158810.

Allele frequency attached by ClinVar (database versions not stated): gnomAD below 0.00001 and 0.00003; TOPMed 0.00001; gnomAD exomes 0.00005 and 0.00012; 1000 Genomes Project 30x 0.00016; ExAC 0.00018; 1000 Genomes Project 0.00020.
gnomAD v4.1: 82 of 1,612,796 alleles (0.0051%); highest among the groups gnomAD compares: South Asian, 0.072%; no homozygotes.

Submissions (4):

Ambry Genetics
Classification: Uncertain significance for Inborn genetic diseases. Last evaluated: 2025-12-11. Review status: criteria provided, single submitter. Criteria: Ambry Variant Classification Scheme 2023. Collection method: clinical testing. Allele origin: germline.
Comment: The c.391G>A (p.G131S) alteration is located in exon 3 (coding exon 2) of the COL6A2 gene. This alteration results from a G to A substitution at nucleotide position 391, causing the glycine (G) at amino acid position 131 to be replaced by a serine (S). Based on data from gnomAD, the A allele has an overall frequency of 0.013% (31/248722) total alleles studied. The highest observed frequency was 0.092% (28/30600) of South Asian alleles. Based on insufficient or conflicting evidence, the clinical significance of this alteration remains unclear.

Revvity Omics, Revvity
Classification: Uncertain significance. Last evaluated: 2024-04-22. Review status: criteria provided, single submitter. Criteria: ACMG Guidelines, 2015. Collection method: clinical testing. Allele origin: germline.

Labcorp Genetics (formerly Invitae), Labcorp
Classification: Uncertain significance for Bethlem myopathy 1A. Last evaluated: 2021-08-26. Review status: criteria provided, single submitter. Criteria: Invitae Variant Classification Sherloc (09022015). Collection method: clinical testing. Allele origin: germline.

Eurofins Ntd Llc (ga)
Classification: Uncertain significance. Last evaluated: 2016-06-20. Review status: criteria provided, single submitter. Criteria: EGL Classification Definitions 2015. Collection method: clinical testing. Allele origin: germline. Observed: 1 variant allele, 1 heterozygote.